The following is an entry in ClinVar:

NM_006506.5(RASA2):c.1813_1814insT (p.His605fs)

Gene: RASA2 (RAS p21 protein activator 2; plus strand). Cytogenetic location: 3q23.
Variant type: Insertion.
Coding change: c.1813_1814insT on transcript NM_006506.5 (MANE Select); coding-DNA positions 1813 to 1814, T inserted.
Protein change: p.His605fs; shifts the reading frame from histidine 605.
Molecular consequence: frameshift variant.
Genome position: GRCh38 VCF-style: chr3-141586085-C-CT. GRCh37 (hg19) VCF-style: chr3-141304927-C-CT.
Other names: c.1813_1814insT, p.His605fs (NM_001303245.3, NM_001303246.3); short protein forms H605fs.
Identifiers: ClinVar variation 3390098 (VCV003390098.14).
Genomic context (GRCh38, chr3:141,586,085, plus strand): 5'-TTCTTGGATGAAATTTCATCTACTGAAACTAAAGAGTCCAGTGGTACGAGTGAGCCTGTG[C>CT]ACCTGAAAGAAGGGTAATTTAATCAAATTAGACGTGAAAGTCATATATCAGTATAGATAT-3'

ClinVar aggregate classification (germline): Uncertain significance (1 of 4 stars; one submission).

Submission:

CeGaT Center for Human Genetics Tuebingen
Classification: Uncertain significance. Last evaluated: 2024-11-01. Review status: criteria provided, single submitter. Criteria: CeGaT Center For Human Genetics Tuebingen Variant Classification Criteria Version 2. Collection method: clinical testing. Allele origin: germline. Affected: yes. Observed: 1 variant allele.
Comment: RASA2: PM2